The following is an entry in ClinVar:

ClinVar aggregate classification (germline): Uncertain significance. Review status: criteria provided, multiple submitters, no conflicts (2 of 4 stars). 2 submissions from 2 submitters: Uncertain significance (2). Last evaluated 2025-08-14.

Conditions:
Familial thoracic aortic aneurysm and aortic dissection (TAAD). Also called: Thoracic aortic aneurysms and dissections. Identifiers: Orphanet 91387, MedGen C4707243, MONDO:0019625.

Submissions (2):

Ambry Genetics
Classification: Uncertain significance for Familial thoracic aortic aneurysm and aortic dissection. Last evaluated: 2025-08-14. Review status: criteria provided, single submitter. Criteria: Ambry Variant Classification Scheme 2023. Collection method: clinical testing. Allele origin: germline.

Color Diagnostics, LLC DBA Color Health
Classification: Uncertain significance for Familial thoracic aortic aneurysm and aortic dissection. Last evaluated: 2024-03-06. Review status: criteria provided, single submitter. Criteria: ACMG Guidelines, 2015. Collection method: clinical testing. Allele origin: germline.
Comment: This missense variant replaces alanine with valine at codon 367 of the ACTA2 protein. Computational prediction is inconclusive regarding the impact of this variant on protein structure and function (internally defined REVEL score threshold 0.5 < inconclusive < 0.7, PMID: 27666373). Splice site prediction tools suggest that this variant may not impact RNA splicing. To our knowledge, functional studies have not been performed for this variant. This variant has not been reported in individuals affected with cardiovascular disorders in the literature. This variant has not been identified in the general population by the Genome Aggregation Database (gnomAD). The available evidence is insufficient to determine the role of this variant in disease conclusively. Therefore, this variant is classified as a Variant of Uncertain Significance.

NM_001613.4(ACTA2):c.1100C>T (p.Ala367Val)

Genes: ACTA2-AS1 (ACTA2 antisense RNA 1; plus strand), ACTA2 (actin alpha 2, smooth muscle; minus strand). Cytogenetic location: 10q23.31.
Variant type: single nucleotide variant.
Coding change: c.1100C>T on transcript NM_001613.4 (MANE Select); coding-DNA position 1100, C replaced by T.
Protein change: p.Ala367Val; replaces alanine 367 with valine.
Molecular consequence: missense variant. On other transcripts: non-coding transcript variant (1).
Genome position (GRCh38, 1-based): chr10:88,935,257, G>A on the plus strand (C>T on the coding strand, the complement: ACTA2 is on the minus strand). VCF-style: chr10-88935257-G-A. GRCh37 (hg19) VCF-style: chr10-90695014-G-A.
Other names: c.1100C>T, p.Ala367Val (NM_001141945.3, NM_001320855.2, NM_001406462.1 and 2 more transcripts); c.989C>T, p.Ala330Val (NM_001406466.1); c.971C>T, p.Ala324Val (NM_001406467.1, NM_001406468.1, NM_001406469.1); c.908C>T, p.Ala303Val (NM_001406471.1); short protein forms A367V, A330V, A303V, A324V.
Identifiers: ClinVar variation 923191 (VCV000923191.7), dbSNP rs1589388776, ClinGen allele CA377510386.